The following is an entry in ClinVar:

NC_000006.11:g.(?_129691027)_(129704388_?)del

Gene: LAMA2 (laminin subunit alpha 2; plus strand). Cytogenetic location: 6q22.33.
Variant type: Deletion.
Identifiers: ClinVar variation 1454951 (VCV001454951.5).

ClinVar aggregate classification (germline): Pathogenic (1 of 4 stars; one submission).

Conditions:
LAMA2-related muscular dystrophy (LAMA2-RD). Also called: Laminin alpha 2-related dystrophy. Identifiers: MedGen C5679788, MONDO:0100228.

Submission:

Labcorp Genetics (formerly Invitae), Labcorp
Classification: Pathogenic for LAMA2-related muscular dystrophy. Last evaluated: 2021-10-14. Review status: criteria provided, single submitter. Criteria: Invitae Variant Classification Sherloc (09022015). Collection method: clinical testing. Allele origin: germline.
Comment: For these reasons, this variant has been classified as Pathogenic. This variant has not been reported in the literature in individuals affected with LAMA2-related conditions. This variant is a gross deletion of the genomic region encompassing exon(s) 34-35 of the LAMA2 gene. This deletion is out-of-frame, and is expected to create a premature termination codon and result in an absent or disrupted protein product. Loss-of-function variants in LAMA2 are known to be pathogenic (PMID: 18700894, 32904964).

Literature cited by the submitters: PubMed 18700894; PubMed 32904964.